The following is an entry in ClinVar:

ClinVar aggregate classification (germline): Uncertain significance (1 of 4 stars; one submission).

Conditions:
Hereditary cancer-predisposing syndrome. Also called: Tumor predisposition; Hereditary Cancer Syndrome; Neoplastic Syndromes, Hereditary; Hereditary neoplastic syndrome. Identifiers: Orphanet 140162, MedGen C0027672, MeSH D009386, MONDO:0015356.

Submission:

Color Diagnostics, LLC DBA Color Health
Classification: Uncertain significance for Hereditary cancer-predisposing syndrome. Last evaluated: 2025-09-05. Review status: criteria provided, single submitter. Criteria: ACMG Guidelines, 2015. Collection method: clinical testing. Allele origin: germline.
Comment: This missense variant replaces aspartic acid with glutamic acid at codon 1794 of the APC protein. Computational prediction suggests that this variant may not impact protein structure and function. To our knowledge, functional studies have not been reported for this variant. This variant has not been reported in individuals affected with APC-related disorders in the literature. This variant has not been identified in the general population by the Genome Aggregation Database (gnomAD). The available evidence is insufficient to determine the role of this variant in disease conclusively. Therefore, this variant is classified as a Variant of Uncertain Significance.

NM_000038.6(APC):c.5382C>G (p.Asp1794Glu)

Gene: APC (APC regulator of Wnt signaling pathway; plus strand). Cytogenetic location: 5q22.2.
Variant type: single nucleotide variant.
Coding change: c.5382C>G on transcript NM_000038.6 (MANE Select); coding-DNA position 5382, C replaced by G.
Protein change: p.Asp1794Glu; replaces aspartic acid 1794 with glutamic acid.
Molecular consequence: missense variant. On other transcripts: non-coding transcript variant (2).
Genome position (GRCh38, 1-based): chr5:112,840,976, C>G. VCF-style: chr5-112840976-C-G. GRCh37 (hg19) VCF-style: chr5-112176673-C-G.
Other names: c.5382C>G, p.Asp1794Glu (NM_001127510.3, NM_001354895.2, NM_001407450.1); c.5328C>G, p.Asp1776Glu (NM_001127511.3); c.5436C>G, p.Asp1812Glu (NM_001354896.2, NM_001407447.1, NM_001407448.1 and 1 more transcripts); c.5412C>G, p.Asp1804Glu (NM_001354897.2); c.5307C>G, p.Asp1769Glu (NM_001354898.2); c.5298C>G, p.Asp1766Glu (NM_001354899.2); c.5259C>G, p.Asp1753Glu (NM_001354900.2); c.5205C>G, p.Asp1735Glu (NM_001354901.2, NM_001407453.1); and 11 more; short protein forms D1410E, D1511E, D1634E, D1665E, D1668E, D1693E, D1703E, D1711E.
Identifiers: ClinVar variation 4756421 (VCV004756421.1).